The following is an entry in ClinVar:

NM_003073.5(SMARCB1):c.1A>C (p.Met1Leu)

Gene: SMARCB1 (SWI/SNF related BAF chromatin remodeling complex subunit B1; plus strand). Cytogenetic location: 22q11.23.
Variant type: single nucleotide variant.
Coding change: c.1A>C on transcript NM_003073.5 (MANE Select); coding-DNA position 1, A replaced by C.
Protein change: p.Met1Leu; changes the start codon (methionine 1).
Molecular consequence: missense variant, initiator codon variant.
Genome position (GRCh38, 1-based): chr22:23,787,170, A>C. VCF-style: chr22-23787170-A-C. GRCh37 (hg19) VCF-style: chr22-24129357-A-C.
Other names: c.1A>C, p.Met1Leu (NM_001007468.3, NM_001317946.2, NM_001362877.2); short protein forms M1L.
Identifiers: ClinVar variation 2712544 (VCV002712544.5), dbSNP rs367768260, ClinGen allele CA410930336.

ClinVar aggregate classification (germline): Uncertain significance. Review status: criteria provided, multiple submitters, no conflicts (2 of 4 stars). 2 submissions from 2 submitters: Uncertain significance (2). Last evaluated 2025-03-05.

Conditions:
Hereditary cancer-predisposing syndrome. Also called: Neoplastic Syndromes, Hereditary; Tumor predisposition; Hereditary Cancer Syndrome; Hereditary neoplastic syndrome. Identifiers: Orphanet 140162, MedGen C0027672, MeSH D009386, MONDO:0015356.

Submissions (2):

Ambry Genetics
Classification: Uncertain significance for Hereditary cancer-predisposing syndrome. Last evaluated: 2025-03-05. Review status: criteria provided, single submitter. Criteria: Ambry Variant Classification Scheme 2023. Collection method: clinical testing. Allele origin: germline.
Comment: The p.M1? variant (also known as c.1A>C) is located in coding exon 1 of the SMARCB1 gene and results from a A to C substitution at nucleotide position 1. This alters the methionine residue at the initiation codon (ATG). Variations that modify the initiation codon (ATG) are expected to result in either loss of translation initiation, N-terminal truncation, or cause a shift in the mRNA reading frame; however, there is an in-frame methionine 1 amino acid from the initiation site, which may result in N-terminal truncation of unknown functional significance. Based on the available evidence, the clinical significance of this variant remains unclear.

Labcorp Genetics (formerly Invitae), Labcorp
Classification: Uncertain significance. Last evaluated: 2024-06-10. Review status: criteria provided, single submitter. Criteria: Invitae Variant Classification Sherloc (09022015). Collection method: clinical testing. Allele origin: germline.
Comment: This sequence change affects the initiator methionine of the SMARCB1 mRNA. The next in-frame methionine is located at codon 2, 3, and 4. This variant is not present in population databases (gnomAD no frequency). Disruption of the initiator codon has been observed in individual(s) with ovarian cancer (PMID: 29625052). In summary, the available evidence is currently insufficient to determine the role of this variant in disease. Therefore, it has been classified as a Variant of Uncertain Significance.

Literature cited by the submitters: PubMed 29625052 (cited by Labcorp Genetics (formerly Invitae), Labcorp).